The following is an entry in ClinVar:

ClinVar aggregate classification (germline): Conflicting classifications of pathogenicity. Review status: criteria provided, conflicting classifications (1 of 4 stars). 7 submissions from 7 submitters: Uncertain significance (5); Likely benign (2). Last evaluated 2026-03-12.

Conditions:
Donnai-Barrow syndrome. Also called: FACIOOCULOACOUSTICORENAL SYNDROME; DBS/FOAR SYNDROME. Identifiers: Orphanet 2143, MedGen C1857277, MONDO:0009104, OMIM 222448.

Allele frequency attached by ClinVar (database versions not stated): TOPMed 0.00073; 1000 Genomes Project 0.00020; ESP Exome Variant Server 0.00023; ExAC 0.00026; 1000 Genomes Project 30x 0.00031; gnomAD exomes 0.00039 and 0.00057; gnomAD 0.00055 and 0.00056.
gnomAD v4.1: 918 of 1,614,216 alleles (0.057%); highest among the groups gnomAD compares: Admixed American, 0.075%; no homozygotes.

Submissions (7):

GeneDx
Classification: Uncertain significance. Last evaluated: 2026-03-12. Review status: criteria provided, single submitter. Criteria: GeneDx Variant Classification Process June 2021. Collection method: clinical testing. Allele origin: germline.
Comment: Reported with a second variant in LRP2 in a patient with agenesis of the corpus callosum, abnormal anus, and atypical facial features; however, this patient also carried a de novo variant in the KAT6B gene that may be contributing to the phenotype (PMID: 36474027); In silico analysis suggests that this missense variant does not alter protein structure/function; This variant is associated with the following publications: (PMID: 36474027)

Labcorp Genetics (formerly Invitae), Labcorp
Classification: Likely benign. Last evaluated: 2026-01-28. Review status: criteria provided, single submitter. Criteria: Invitae Variant Classification Sherloc (09022015). Collection method: clinical testing. Allele origin: germline.

Blueprint Genetics
Classification: Likely benign. Last evaluated: 2024-10-25. Review status: criteria provided, single submitter. Criteria: ACMG Guidelines, 2015. Collection method: clinical testing. Allele origin: germline.

Fulgent Genetics
Classification: Uncertain significance for Donnai-Barrow syndrome. Last evaluated: 2024-04-13. Review status: criteria provided, single submitter. Criteria: ACMG Guidelines, 2015. Collection method: clinical testing. Allele origin: germline.

Daryl Scott Lab, Baylor College of Medicine
Classification: Uncertain significance for Donnai-Barrow syndrome. Last evaluated: 2022-02-01. Review status: criteria provided, single submitter. Criteria: ACMG Guidelines, 2015. Collection method: clinical testing. Allele origin: unknown. Observed: 1 variant allele, 1 compound heterozygote.

Genome-Nilou Lab
Classification: Uncertain significance for Donnai-Barrow syndrome. Last evaluated: 2021-07-15. Review status: criteria provided, single submitter. Criteria: ACMG Guidelines, 2015. Collection method: clinical testing. Allele origin: germline. Affected: no.

Illumina Laboratory Services, Illumina
Classification: Uncertain significance for Donnai-Barrow syndrome. Last evaluated: 2017-04-27. Review status: criteria provided, single submitter. Criteria: ICSL Variant Classification Criteria 13 December 2019. Collection method: clinical testing. Allele origin: germline.

Literature cited by the submitters: PubMed 36474027 (cited by Daryl Scott Lab, Baylor College of Medicine).

NM_004525.3(LRP2):c.3364A>G (p.Ile1122Val)

Gene: LRP2 (LDL receptor related protein 2; minus strand). Cytogenetic location: 2q31.1.
Variant type: single nucleotide variant.
Coding change: c.3364A>G on transcript NM_004525.3 (MANE Select); coding-DNA position 3364, A replaced by G.
Protein change: p.Ile1122Val; replaces isoleucine 1122 with valine.
Molecular consequence: missense variant.
Genome position (GRCh38, 1-based): chr2:169,244,759, T>C on the plus strand (A>G on the coding strand, the complement: LRP2 is on the minus strand). VCF-style: chr2-169244759-T-C. GRCh37 (hg19) VCF-style: chr2-170101269-T-C.
Other names: short protein forms I1122V.
Identifiers: ClinVar variation 893619 (VCV000893619.19), dbSNP rs149853330, ClinGen allele CA1955055.